The following is an entry in ClinVar:

ClinVar aggregate classification (germline): Pathogenic. Review status: criteria provided, multiple submitters, no conflicts (2 of 4 stars). 2 submissions from 2 submitters: Pathogenic (2). Last evaluated 2025-09-02.

Conditions:
Alstrom syndrome (ALMS). Identifiers: Orphanet 64, MedGen C0268425, MONDO:0008763, OMIM 203800.
Cardiovascular phenotype. Identifiers: MedGen CN230736.

gnomAD v4.1: 1 of 1,603,814 alleles (0.000062%); highest among the groups gnomAD compares: Non-Finnish European, 0.000085%; no homozygotes.

Submissions (2):

Ambry Genetics
Classification: Pathogenic for Cardiovascular phenotype. Last evaluated: 2025-09-02. Review status: criteria provided, single submitter. Criteria: Ambry Variant Classification Scheme 2023. Collection method: clinical testing. Allele origin: germline.
Comment: The p.S404* pathogenic mutation (also known as c.1211C>A), located in coding exon 5 of the ALMS1 gene, results from a C to A substitution at nucleotide position 1211. This changes the amino acid from a serine to a stop codon within coding exon 5. This alteration is expected to result in loss of function by premature protein truncation or nonsense-mediated mRNA decay. As such, this alteration is interpreted as a disease-causing mutation.

Natera, Inc.
Classification: Pathogenic for Alstrom syndrome. Last evaluated: 2024-09-26. Review status: criteria provided, single submitter. Criteria: Natera Variant Classification Schema (03/2026). Collection method: clinical testing. Allele origin: germline.
Comment: The c.1211C>A variant in ALMS1 is a nonsense variant predicted to introduce a stop codon at amino acid 404. This variant is expected to result in nonsense mediated decay, truncation, or a dysfunctional protein product. This variant is rare in the general population with a frequency below the threshold expected for the associated phenotype(s). This variant has been observed in one or more individuals affected with the associated recessive disease, as either homozygous or compound heterozygous with a second variant (PMID: 32973878). Given the available evidence, this variant is classified as Pathogenic.

Literature cited by the submitters: PubMed 32973878 (cited by Natera, Inc.).

NM_001378454.1(ALMS1):c.1208C>A (p.Ser403Ter)

Gene: ALMS1 (ALMS1 centrosome and basal body associated protein; plus strand). Cytogenetic location: 2p13.1.
Variant type: single nucleotide variant.
Coding change: c.1208C>A on transcript NM_001378454.1 (MANE Select); coding-DNA position 1208, C replaced by A.
Protein change: p.Ser403Ter; replaces serine 403 with a stop codon.
Molecular consequence: nonsense.
Genome position (GRCh38, 1-based): chr2:73,424,873, C>A. VCF-style: chr2-73424873-C-A. GRCh37 (hg19) VCF-style: chr2-73652001-C-A.
Other names: c.1211C>A, p.Ser404Ter (NM_015120.4); short protein forms S403*, S404*.
Identifiers: ClinVar variation 4275298 (VCV004275298.2).